The following is an entry in ClinVar:

NM_000282.4(PCCA):c.1285-15C>T

Gene: PCCA (propionyl-CoA carboxylase subunit alpha; plus strand). Cytogenetic location: 13q32.3.
Variant type: single nucleotide variant.
Coding change: c.1285-15C>T on transcript NM_000282.4 (MANE Select); 15 bases into the intron before coding-DNA position 1285, C replaced by T.
Molecular consequence: intron variant.
Genome position (GRCh38, 1-based): chr13:100,307,177, C>T. VCF-style: chr13-100307177-C-T. GRCh37 (hg19) VCF-style: chr13-100959431-C-T.
Other names: c.1285-15C>T (NM_001178004.2, NM_001352605.2, NM_001352609.2); c.1141-15C>T (NM_001352606.2); c.340-15C>T (NM_001352610.2, NM_001352611.2); c.196-15C>T (NM_001352612.2); c.1207-15C>T (NM_001127692.3, NM_001352607.2); c.1063-15C>T (NM_001352608.2).
Identifiers: ClinVar variation 383296 (VCV000383296.5), dbSNP rs779554504, ClinGen allele CA7033595.
Genomic context (GRCh38, chr13:100,307,177, plus strand): 5'-GAAATGAAATTGGTGGTTACAAAAAAATATCTACACAATATGAATTACTTTTCTTTTTTT[C>T]TTTTTTTCTCCCAGGTCCGAGTGGACAGTGGCATCCAACCAGGAAGTGATATTAGCATTT-3'

ClinVar aggregate classification (germline): Likely benign. Review status: criteria provided, multiple submitters, no conflicts (2 of 4 stars). 3 submissions from 3 submitters: Likely benign (3). Last evaluated 2023-06-06.

Conditions:
Propionic acidemia (PROP). Also called: KETOTIC HYPERGLYCINEMIA; GLYCINEMIA, KETOTIC; HYPERGLYCINEMIA WITH KETOACIDOSIS AND LEUKOPENIA. Identifiers: Orphanet 35, MedGen C0268579, MONDO:0011628, OMIM 606054, HP:0003571.

Allele frequency attached by ClinVar (database versions not stated): ExAC 0.00001; gnomAD exomes 0.00001.

Submissions (3):

Labcorp Genetics (formerly Invitae), Labcorp
Classification: Likely benign for Propionic acidemia. Last evaluated: 2023-06-06. Review status: criteria provided, single submitter. Criteria: Invitae Variant Classification Sherloc (09022015). Collection method: clinical testing. Allele origin: germline.

GeneDx
Classification: Likely benign. Last evaluated: 2016-02-29. Review status: criteria provided, single submitter. Criteria: GeneDx Variant Classification (06012015). Collection method: clinical testing. Allele origin: germline. Affected: yes.
Comment: This variant is considered likely benign or benign based on one or more of the following criteria: it is a conservative change, it occurs at a poorly conserved position in the protein, it is predicted to be benign by multiple in silico algorithms, and/or has population frequency not consistent with disease.

Breakthrough Genomics
Classification: Likely benign. Review status: criteria provided, single submitter. Criteria: ACMG Guidelines, 2015. Collection method: not provided. Allele origin: germline. Inheritance: Autosomal recessive inheritance. Affected: yes.